The following is an entry in ClinVar:

ClinVar aggregate classification (germline): Likely pathogenic (1 of 4 stars; one submission).

Conditions:
Ehlers-Danlos syndrome, classic type, 1 (EDSCL1). Also called: Ehlers-Danlos Syndrome, Classic Type, COL5A1-Related; EDS I; EHLERS-DANLOS SYNDROME, GRAVIS TYPE; EHLERS-DANLOS SYNDROME, SEVERE CLASSIC TYPE; Ehlers-Danlos syndrome, type 1. Identifiers: MedGen C0268335, MONDO:0019567, OMIM 130000.
Fibromuscular dysplasia, multifocal. Identifiers: MedGen C5543412, MONDO:0859151, OMIM 619329.

Submission:

Juno Genomics, Hangzhou Juno Genomics, Inc
Classification: Likely pathogenic for Ehlers-Danlos syndrome, classic type, 1; Fibromuscular dysplasia, multifocal. Review status: criteria provided, single submitter. Criteria: ACMG Guidelines, 2015. Collection method: clinical testing. Allele origin: germline.
Comment: Absent from controls (or at extremely low frequency if recessive) in Genome Aggregation Database.;Null variant in a gene where loss of function (LOF) is a known mechanism of disease.

NM_000093.5(COL5A1):c.1539del (p.Gly514fs)

Gene: COL5A1 (collagen type V alpha 1 chain; plus strand). Cytogenetic location: 9q34.3.
Variant type: Deletion.
Coding change: c.1539del on transcript NM_000093.5 (MANE Select); coding-DNA position 1539, one base deleted (C; older notation c.1539delC).
Protein change: p.Gly514fs; shifts the reading frame from glycine 514.
Molecular consequence: frameshift variant.
Genome position (GRCh38, 1-based): chr9:134,750,586, C deleted; the last of 3 consecutive C bases (chr9:134,750,584-134,750,586); deleting any one gives the same sequence. VCF-style (leftmost placement, unchanged base first): chr9-134750583-GC-G. GRCh37 (hg19) VCF-style: chr9-137642429-GC-G.
Other names: c.1539del, p.Gly514fs (NM_001278074.1); short protein forms G514fs.
Identifiers: ClinVar variation 5019847 (VCV005019847.2).